The following is an entry in ClinVar:

NM_001130144.3(LTBP3):c.2273G>A (p.Trp758Ter)

Genes: LTBP3 (latent transforming growth factor beta binding protein 3; minus strand), LOC130006029 (ATAC-STARR-seq lymphoblastoid silent region 3532; plus strand). Cytogenetic location: 11q13.1.
Variant type: single nucleotide variant.
Coding change: c.2273G>A on transcript NM_001130144.3 (MANE Select); coding-DNA position 2273, G replaced by A.
Protein change: p.Trp758Ter; replaces tryptophan 758 with a stop codon.
Molecular consequence: nonsense.
Genome position (GRCh38, 1-based): chr11:65,546,522, C>T on the plus strand (G>A on the coding strand, the complement: LTBP3 is on the minus strand). VCF-style: chr11-65546522-C-T. GRCh37 (hg19) VCF-style: chr11-65313993-C-T.
Other names: c.1922G>A, p.Trp641Ter (NM_001164266.1); c.2273G>A, p.Trp758Ter (NM_021070.4); short protein forms W641*, W758*.
Identifiers: ClinVar variation 3687320 (VCV003687320.2).
Genomic context (GRCh38, chr11:65,546,522, plus strand): 5'-GGCGCGGGCGCGTAGCCCTGGGCACAGGTGCAGCGGAAGGAGCCCGGGAGGTTCTCGCAC[C>T]AGCCAGGCGAGCAGGGGCTGCCCTCGGCGCACTCGTTCACGTCTGCGGCGGAAAGACCTA-3'

ClinVar aggregate classification (germline): Pathogenic (1 of 4 stars; one submission).

Conditions:
Brachyolmia-amelogenesis imperfecta syndrome. Also called: PLATYSPONDYLY WITH AMELOGENESIS IMPERFECTA; Tooth agenesis, selective, 6; Dental anomalies and short stature. Identifiers: Orphanet 2899, MedGen C1832594, MONDO:0011018, OMIM 601216. Disease mechanism: loss of function.

gnomAD v4.1: 9 of 1,601,626 alleles (0.00056%); highest among the groups gnomAD compares: Non-Finnish European, 0.00076%; no homozygotes.

Submission:

Labcorp Genetics (formerly Invitae), Labcorp
Classification: Pathogenic for Brachyolmia-amelogenesis imperfecta syndrome. Last evaluated: 2025-03-10. Review status: criteria provided, single submitter. Criteria: Invitae Variant Classification Sherloc (09022015). Collection method: clinical testing. Allele origin: germline.
Comment: This sequence change creates a premature translational stop signal (p.Trp758*) in the LTBP3 gene. It is expected to result in an absent or disrupted protein product. Loss-of-function variants in LTBP3 are known to be pathogenic (PMID: 11790802, 19344874, 25669657). This variant is not present in population databases (gnomAD no frequency). This variant has not been reported in the literature in individuals affected with LTBP3-related conditions. For these reasons, this variant has been classified as Pathogenic.

Literature cited by the submitters: PubMed 11790802; PubMed 19344874; PubMed 25669657.